The following is an entry in ClinVar:

ClinVar aggregate classification (germline): Pathogenic (1 of 4 stars; one submission).

Conditions:
Ovarian dysgenesis 1 (ODG1). Also called: Gonadal dysgenesis XX type deafness; GONADAL DYSGENESIS, XX TYPE; OVARIAN DYSGENESIS, HYPERGONADOTROPIC, AUTOSOMAL RECESSIVE; OVARIAN DYSGENESIS, HYPERGONADOTROPIC, WITH NORMAL KARYOTYPE; OVARIAN FAILURE, HYPERGONADOTROPIC. Identifiers: Orphanet 243, MedGen C0949595, MONDO:0024463, OMIM 233300.

Submission:

Juno Genomics, Hangzhou Juno Genomics, Inc
Classification: Pathogenic for Ovarian dysgenesis 1. Review status: criteria provided, single submitter. Criteria: ACMG Guidelines, 2015. Collection method: clinical testing. Allele origin: germline. Affected: yes.
Comment: Null variant in a gene where loss of function (LOF) is a known mechanism of disease.;Absent from controls (or at extremely low frequency if recessive) in Genome Aggregation Database, Exome Sequencing Project, 1000 Genomes Project, or Exome Aggregation Consortium.;Patient's phenotype or family history is highly specific for a disease with a single genetic etiology.

NM_000145.4(FSHR):c.564_565del (p.Ala189fs)

Gene: FSHR (follicle stimulating hormone receptor; minus strand). Cytogenetic location: 2p16.3.
Variant type: Microsatellite.
Coding change: c.564_565del on transcript NM_000145.4 (MANE Select); coding-DNA positions 564 to 565, 2 bases deleted (TG; older notation c.564_565delTG).
Protein change: p.Ala189fs; shifts the reading frame from alanine 189.
Molecular consequence: frameshift variant.
Genome position (GRCh38, 1-based): chr2:48,983,126-48,983,127, CA deleted on the plus strand (TG on the coding strand, the reverse complement: FSHR is on the minus strand); deleting any 2 consecutive bases within chr2:48,983,126-48,983,129 gives the same sequence; the c. name uses the placement nearest the transcript's 3' end. VCF-style (leftmost placement, unchanged base first): chr2-48983125-GCA-G. GRCh37 (hg19) VCF-style: chr2-49210264-GCA-G.
Other names: c.486_487del, p.Ala163fs (NM_181446.3); short protein forms A163fs, A189fs.
Identifiers: ClinVar variation 3381984 (VCV003381984.2).